The following is an entry in ClinVar:

NM_000642.3(AGL):c.1276G>A (p.Val426Ile)

Gene: AGL (amylo-alpha-1,6-glucosidase and 4-alpha-glucanotransferase; plus strand). Cytogenetic location: 1p21.2.
Variant type: single nucleotide variant.
Coding change: c.1276G>A on transcript NM_000642.3 (MANE Select); coding-DNA position 1276, G replaced by A.
Protein change: p.Val426Ile; replaces valine 426 with isoleucine.
Molecular consequence: missense variant.
Genome position (GRCh38, 1-based): chr1:99,875,448, G>A. VCF-style: chr1-99875448-G-A. GRCh37 (hg19) VCF-style: chr1-100341004-G-A.
Other names: c.1276G>A, p.Val426Ile (NM_000028.3, NM_000643.3, NM_000644.3 and 2 more transcripts); c.1228G>A, p.Val410Ile (NM_000646.3); c.1072G>A, p.Val358Ile (NM_001425328.1, NM_001425329.1); c.898G>A, p.Val300Ile (NM_001425332.1); short protein forms V410I, V426I, V300I, V358I.
Identifiers: ClinVar variation 2050335 (VCV002050335.1), dbSNP rs1296666772, ClinGen allele CA341345711.
Genomic context (GRCh38, chr1:99,875,448, plus strand): 5'-TATGAACGACTGGCTGGCCATGGTCCAAAACTAGGACCTGTCACTAGAAAGCATCCTTTA[G>A]TTACCAGGTGTTGCATTTTTGTTTTTTTTCTTATTGATGGTTGAAAACTGAAAATTGTAT-3'
Protein context (NP_000633.2, residues 416-436): LGPVTRKHPL[Val426Ile]TRYFTFPFEE

ClinVar aggregate classification (germline): Uncertain significance (1 of 4 stars; one submission).

Conditions:
Glycogen storage disease type III (GSD3). Also called: Cori disease; FORBES DISEASE. Identifiers: Orphanet 366, MedGen C0017922, MONDO:0009291, OMIM 232400.

Allele frequency attached by ClinVar (database versions not stated): gnomAD 0.00001; gnomAD exomes 0.00001.
gnomAD v4.1: 10 of 1,613,856 alleles (0.00062%); highest among the groups gnomAD compares: Non-Finnish European, 0.00085%; no homozygotes.

Submission:

Labcorp Genetics (formerly Invitae), Labcorp
Classification: Uncertain significance for Glycogen storage disease type III. Last evaluated: 2021-09-24. Review status: criteria provided, single submitter. Criteria: Invitae Variant Classification Sherloc (09022015). Collection method: clinical testing. Allele origin: germline.
Comment: This sequence change replaces valine with isoleucine at codon 426 of the AGL protein (p.Val426Ile). The valine residue is moderately conserved and there is a small physicochemical difference between valine and isoleucine. This variant is not present in population databases (ExAC no frequency). This variant has not been reported in the literature in individuals with AGL-related conditions. Algorithms developed to predict the effect of missense changes on protein structure and function (SIFT, PolyPhen-2, Align-GVGD) all suggest that this variant is likely to be tolerated, but these predictions have not been confirmed by published functional studies and their clinical significance is uncertain. In summary, the available evidence is currently insufficient to determine the role of this variant in disease. Therefore, it has been classified as a Variant of Uncertain Significance.